The following is an entry in ClinVar:

ClinVar aggregate classification (germline): Benign. Review status: criteria provided, multiple submitters, no conflicts (2 of 4 stars). 4 submissions from 4 submitters: Benign (4). Last evaluated 2025-07-10.

Conditions:
Hereditary cancer-predisposing syndrome. Also called: Neoplastic Syndromes, Hereditary; Hereditary Cancer Syndrome; Hereditary neoplastic syndrome; Tumor predisposition. Identifiers: Orphanet 140162, MedGen C0027672, MeSH D009386, MONDO:0015356.

Allele frequency attached by ClinVar (database versions not stated): ExAC 0.05914; gnomAD exomes 0.06090; 1000 Genomes Project 0.06550; 1000 Genomes Project 30x 0.06855; gnomAD 0.07133 and 0.07418; ESP Exome Variant Server 0.07335; TOPMed 0.08007.
gnomAD v4.1: 79,331 of 1,600,170 alleles (5%); highest among the groups gnomAD compares: Admixed American, 16%; 2,869 homozygotes.

Submissions (19):

GeneKor MSA
Classification: Benign for Hereditary cancer-predisposing syndrome. Last evaluated: 2025-07-10. Review status: criteria provided, single submitter. Criteria: ACMG Guidelines, 2015. Collection method: clinical testing. Allele origin: germline.

Center for Genomic Medicine, Rigshospitalet, Copenhagen University Hospital
Classification: Benign. Last evaluated: 2025-03-04. Review status: criteria provided, single submitter. Criteria: ACMG Guidelines, 2015. Collection method: clinical testing. Allele origin: germline.

GeneDx
Classification: Benign. Last evaluated: 2018-06-14. Review status: criteria provided, single submitter. Criteria: GeneDx Variant Classification (06012015). Collection method: clinical testing. Allele origin: germline. Affected: yes.
Comment: This variant is considered likely benign or benign based on one or more of the following criteria: it is a conservative change, it occurs at a poorly conserved position in the protein, it is predicted to be benign by multiple in silico algorithms, and/or has population frequency not consistent with disease.

Breakthrough Genomics
Classification: Benign. Review status: criteria provided, single submitter. Criteria: ACMG Guidelines, 2015. Collection method: not provided. Allele origin: germline. Inheritance: Autosomal recessive inheritance. Affected: yes.

Dr. Peter K. Rogan Lab, Western University
No classification provided (evidence only). Condition: Acute myeloid leukemia. Review status: no classification provided. Collection method: in vitro. Allele origin: not applicable. Functional consequence: skipped exon. Not counted in ClinVar's aggregate classification.

Dr. Peter K. Rogan Lab, Western University
No classification provided (evidence only). Condition: Acute myeloid leukemia. Review status: no classification provided. Collection method: in vitro. Allele origin: not applicable. Functional consequence: skipped exon. Not counted in ClinVar's aggregate classification.

Dr. Peter K. Rogan Lab, Western University
No classification provided (evidence only). Condition: Acute myeloid leukemia. Review status: no classification provided. Collection method: in vitro. Allele origin: not applicable. Functional consequence: retained intron. Not counted in ClinVar's aggregate classification.

Dr. Peter K. Rogan Lab, Western University
No classification provided (evidence only). Condition: Acute myeloid leukemia. Review status: no classification provided. Collection method: in vitro. Allele origin: not applicable. Functional consequence: skipped exon. Not counted in ClinVar's aggregate classification.

Dr. Peter K. Rogan Lab, Western University
No classification provided (evidence only). Condition: Acute myeloid leukemia. Review status: no classification provided. Collection method: in vitro. Allele origin: not applicable. Functional consequence: retained intron. Not counted in ClinVar's aggregate classification.

Dr. Peter K. Rogan Lab, Western University
No classification provided (evidence only). Condition: Acute myeloid leukemia. Review status: no classification provided. Collection method: in vitro. Allele origin: not applicable. Functional consequence: retained intron. Not counted in ClinVar's aggregate classification.

Dr. Peter K. Rogan Lab, Western University
No classification provided (evidence only). Condition: Acute myeloid leukemia. Review status: no classification provided. Collection method: in vitro. Allele origin: not applicable. Functional consequence: skipped exon. Not counted in ClinVar's aggregate classification.

Dr. Peter K. Rogan Lab, Western University
No classification provided (evidence only). Condition: Thymoma. Review status: no classification provided. Collection method: in vitro. Allele origin: not applicable. Functional consequence: retained intron. Not counted in ClinVar's aggregate classification.

Dr. Peter K. Rogan Lab, Western University
No classification provided (evidence only). Condition: Ovarian serous cystadenocarcinoma. Review status: no classification provided. Collection method: in vitro. Allele origin: not applicable. Functional consequence: retained intron. Not counted in ClinVar's aggregate classification.

Dr. Peter K. Rogan Lab, Western University
No classification provided (evidence only). Condition: Gastric cancer. Review status: no classification provided. Collection method: in vitro. Allele origin: not applicable. Functional consequence: retained intron. Not counted in ClinVar's aggregate classification.

Dr. Peter K. Rogan Lab, Western University
No classification provided (evidence only). Condition: Gastric cancer. Review status: no classification provided. Collection method: in vitro. Allele origin: not applicable. Functional consequence: retained intron. Not counted in ClinVar's aggregate classification.

Dr. Peter K. Rogan Lab, Western University
No classification provided (evidence only). Condition: Germ cell tumor of testis. Review status: no classification provided. Collection method: in vitro. Allele origin: not applicable. Functional consequence: retained intron. Not counted in ClinVar's aggregate classification.

Dr. Peter K. Rogan Lab, Western University
No classification provided (evidence only). Condition: Uterine carcinosarcoma. Review status: no classification provided. Collection method: in vitro. Allele origin: not applicable. Functional consequence: retained intron. Not counted in ClinVar's aggregate classification.

Dr. Peter K. Rogan Lab, Western University
No classification provided (evidence only). Condition: Uveal melanoma. Review status: no classification provided. Collection method: in vitro. Allele origin: not applicable. Functional consequence: retained intron. Not counted in ClinVar's aggregate classification.

Dr. Peter K. Rogan Lab, Western University
No classification provided (evidence only). Condition: Malignant tumor of esophagus. Review status: no classification provided. Collection method: in vitro. Allele origin: not applicable. Functional consequence: retained intron. Not counted in ClinVar's aggregate classification.

NM_006231.4(POLE):c.1226+45C>T

Gene: POLE (DNA polymerase epsilon, catalytic subunit; minus strand). Cytogenetic location: 12q24.33.
Variant type: single nucleotide variant.
Coding change: c.1226+45C>T on transcript NM_006231.4 (MANE Select); 45 bases into the intron after coding-DNA position 1226, C replaced by T.
Molecular consequence: intron variant.
Genome position (GRCh38, 1-based): chr12:132,675,353, G>A on the plus strand (C>T on the coding strand, the complement: POLE is on the minus strand). VCF-style: chr12-132675353-G-A. GRCh37 (hg19) VCF-style: chr12-133251939-G-A.
Other names: NC_000012.11:g.133251939G>A.
Identifiers: ClinVar variation 676492 (VCV000676492.6), dbSNP rs5744761, ClinGen allele CA6894036.